The following is an entry in ClinVar:

NM_003737.4(DCHS1):c.367G>C (p.Asp123His)

Gene: DCHS1 (dachsous cadherin-related 1; minus strand). Cytogenetic location: 11p15.4.
Variant type: single nucleotide variant.
Coding change: c.367G>C on transcript NM_003737.4 (MANE Select); coding-DNA position 367, G replaced by C.
Protein change: p.Asp123His; replaces aspartic acid 123 with histidine.
Molecular consequence: missense variant.
Genome position (GRCh38, 1-based): chr11:6,641,247, C>G on the plus strand (G>C on the coding strand, the complement: DCHS1 is on the minus strand). VCF-style: chr11-6641247-C-G. GRCh37 (hg19) VCF-style: chr11-6662478-C-G.
Other names: short protein forms D123H.
Identifiers: ClinVar variation 3706760 (VCV003706760.2).
Genomic context (GRCh38, chr11:6,641,247, plus strand): 5'-AGGCTGGAGCATGGTCGTTGATGTCAGCCACTCGCACTGTAACTTCTACGGTGGCACCAT[C>G]AGGAGTGACTGCAGTGAAGCGGTAGCGGTCCCGCTGCTCACGGTCCAAGACACGGGCTGT-3'
Protein context (NP_003728.1, residues 113-133): DRYRFTAVTP[Asp123His]GATVEVTVRV

ClinVar aggregate classification (germline): Uncertain significance (1 of 4 stars; one submission).

Submission:

Labcorp Genetics (formerly Invitae), Labcorp
Classification: Uncertain significance. Last evaluated: 2024-08-27. Review status: criteria provided, single submitter. Criteria: Invitae Variant Classification Sherloc (09022015). Collection method: clinical testing. Allele origin: germline.
Comment: This sequence change replaces aspartic acid, which is acidic and polar, with histidine, which is basic and polar, at codon 123 of the DCHS1 protein (p.Asp123His). This variant is present in population databases (no rsID available, gnomAD 0.0009%). This variant has not been reported in the literature in individuals affected with DCHS1-related conditions. Invitae Evidence Modeling of protein sequence and biophysical properties (such as structural, functional, and spatial information, amino acid conservation, physicochemical variation, residue mobility, and thermodynamic stability) indicates that this missense variant is not expected to disrupt DCHS1 protein function with a negative predictive value of 95%. In summary, the available evidence is currently insufficient to determine the role of this variant in disease. Therefore, it has been classified as a Variant of Uncertain Significance.